The following is an entry in ClinVar:

NM_001365902.3(NFIX):c.120C>G (p.Tyr40Ter)

Gene: NFIX (nuclear factor I X; plus strand). Cytogenetic location: 19p13.13.
Variant type: single nucleotide variant.
Coding change: c.120C>G on transcript NM_001365902.3 (MANE Select); coding-DNA position 120, C replaced by G.
Protein change: p.Tyr40Ter; replaces tyrosine 40 with a stop codon.
Molecular consequence: nonsense. On other transcripts: 5 prime UTR variant (1).
Genome position (GRCh38, 1-based): chr19:13,025,113, C>G. VCF-style: chr19-13025113-C-G. GRCh37 (hg19) VCF-style: chr19-13135927-C-G.
Other names: c.144C>G, p.Tyr48Ter (NM_001271043.2); c.96C>G, p.Tyr32Ter (NM_001271044.3, NM_001378404.1); c.120C>G, p.Tyr40Ter (NM_001365982.2, NM_002501.4); c.-22C>G (NM_001365983.2); c.117C>G, p.Tyr39Ter (NM_001365984.2, NM_001365985.2); c.168C>G, p.Tyr56Ter (NM_001378405.1); short protein forms Y32*, Y39*, Y40*, Y48*, Y56*.
Identifiers: ClinVar variation 1071849 (VCV001071849.7), dbSNP rs760493118, ClinGen allele CA404313060.

ClinVar aggregate classification (germline): Pathogenic (1 of 4 stars; one submission).

Conditions:
Malan overgrowth syndrome (MALNS). Also called: Sotos syndrome 2; MALAN SYNDROME; NFIX-Related Malan Syndrome. Identifiers: Orphanet 420179, MedGen C3553660, MONDO:0013885, OMIM 614753.
Marshall-Smith syndrome (MRSHSS). Identifiers: Orphanet 561, MedGen C0265211, MONDO:0011244, OMIM 602535.

Submission:

Labcorp Genetics (formerly Invitae), Labcorp
Classification: Pathogenic for Malan overgrowth syndrome; Marshall-Smith syndrome. Last evaluated: 2020-10-11. Review status: criteria provided, single submitter. Criteria: Invitae Variant Classification Sherloc (09022015). Collection method: clinical testing. Allele origin: germline.
Comment: Loss-of-function variants in NFIX are known to be pathogenic (PMID: 24924640, 20673863, 20949508, 25118028). For these reasons, this variant has been classified as Pathogenic. This variant has not been reported in the literature in individuals with NFIX-related conditions. This variant is not present in population databases (ExAC no frequency). This sequence change creates a premature translational stop signal (p.Tyr48*) in the NFIX gene. It is expected to result in an absent or disrupted protein product.

Literature cited by the submitters: PubMed 24924640; PubMed 20673863; PubMed 20949508; PubMed 25118028.